The following is an entry in ClinVar:

NM_000038.6(APC):c.4309A>G (p.Lys1437Glu)

Gene: APC (APC regulator of Wnt signaling pathway; plus strand). Cytogenetic location: 5q22.2.
Variant type: single nucleotide variant.
Coding change: c.4309A>G on transcript NM_000038.6 (MANE Select); coding-DNA position 4309, A replaced by G.
Protein change: p.Lys1437Glu; replaces lysine 1437 with glutamic acid.
Molecular consequence: missense variant.
Genome position (GRCh38, 1-based): chr5:112,839,903, A>G. VCF-style: chr5-112839903-A-G. GRCh37 (hg19) VCF-style: chr5-112175600-A-G.
Other names: c.4309A>G, p.Lys1437Glu (NM_001127510.3, NM_001354895.2, NM_001407450.1); c.4255A>G, p.Lys1419Glu (NM_001127511.3); c.4363A>G, p.Lys1455Glu (NM_001354896.2, NM_001407447.1, NM_001407448.1 and 1 more transcripts); c.4339A>G, p.Lys1447Glu (NM_001354897.2); c.4234A>G, p.Lys1412Glu (NM_001354898.2); c.4225A>G, p.Lys1409Glu (NM_001354899.2); c.4186A>G, p.Lys1396Glu (NM_001354900.2); c.4132A>G, p.Lys1378Glu (NM_001354901.2, NM_001407453.1); and 11 more; short protein forms K1311E, K1354E, K1396E, K1430E, K1437E, K1053E, K1346E, K1427E.
Identifiers: ClinVar variation 1739599 (VCV001739599.3), dbSNP rs2149911362, ClinGen allele CA16030777.

ClinVar aggregate classification (germline): Uncertain significance. Review status: criteria provided, multiple submitters, no conflicts (2 of 4 stars). 2 submissions from 2 submitters: Uncertain significance (2). Last evaluated 2025-06-25.

Conditions:
Hereditary cancer-predisposing syndrome. Also called: Hereditary Cancer Syndrome; Hereditary neoplastic syndrome; Neoplastic Syndromes, Hereditary; Tumor predisposition. Identifiers: Orphanet 140162, MedGen C0027672, MeSH D009386, MONDO:0015356.
Familial adenomatous polyposis 1 (FAP1). Also called: FAMILIAL ADENOMATOUS POLYPOSIS 1, ATTENUATED; POLYPOSIS, ADENOMATOUS INTESTINAL. Identifiers: MedGen C2713442, MONDO:0021056, OMIM 175100. Disease mechanism: loss of function.

Submissions (2):

Labcorp Genetics (formerly Invitae), Labcorp
Classification: Uncertain significance for Familial adenomatous polyposis 1. Last evaluated: 2025-06-25. Review status: criteria provided, single submitter. Criteria: Invitae Variant Classification Sherloc (09022015). Collection method: clinical testing. Allele origin: germline.
Comment: This sequence change replaces lysine, which is basic and polar, with glutamic acid, which is acidic and polar, at codon 1437 of the APC protein (p.Lys1437Glu). This variant is not present in population databases (gnomAD no frequency). This variant has not been reported in the literature in individuals affected with APC-related conditions. ClinVar contains an entry for this variant (Variation ID: 1739599). Invitae Evidence Modeling of protein sequence and biophysical properties (such as structural, functional, and spatial information, amino acid conservation, physicochemical variation, residue mobility, and thermodynamic stability) indicates that this missense variant is not expected to disrupt APC protein function with a negative predictive value of 95%. In summary, the available evidence is currently insufficient to determine the role of this variant in disease. Therefore, it has been classified as a Variant of Uncertain Significance.

Ambry Genetics
Classification: Uncertain significance for Hereditary cancer-predisposing syndrome. Last evaluated: 2022-09-09. Review status: criteria provided, single submitter. Criteria: Ambry Variant Classification Scheme 2023. Collection method: clinical testing. Allele origin: germline.
Comment: The p.K1437E variant (also known as c.4309A>G), located in coding exon 15 of the APC gene, results from an A to G substitution at nucleotide position 4309. The lysine at codon 1437 is replaced by glutamic acid, an amino acid with similar properties. This amino acid position is highly conserved in available vertebrate species. In addition, in silico predictors for this gene do not accurately predict pathogenicity. Since supporting evidence is limited at this time, the clinical significance of this alteration remains unclear.